The following is an entry in ClinVar:

ClinVar aggregate classification (germline): Conflicting classifications of pathogenicity. Review status: criteria provided, conflicting classifications (1 of 4 stars). 7 submissions from 7 submitters: Pathogenic (2); Likely pathogenic (4); Uncertain significance (1). Last evaluated 2026-07-09.

Conditions:
Wilson disease (WND). Also called: Wilson's disease. Identifiers: Orphanet 905, MedGen C0019202, MONDO:0010200, OMIM 277900. Disease mechanism: loss of function.

Submissions (7):

Myriad Genetics, Inc.
Classification: Likely pathogenic for Wilson disease. Last evaluated: 2026-07-09. Review status: criteria provided, single submitter. Criteria: Myriad Autosomal Dominant, Autosomal Recessive and X-Linked Classification Criteria (2023). Collection method: clinical testing. Allele origin: unknown.
Comment: NM_000053.3(ATP7B):c.2697_2723del27(I899_Q907del) is an in-frame deletion classified as likely pathogenic in the context of Wilson disease. I899_Q907del has been observed in cases with relevant disease (PMID: 22075048, 23551039, 34324271, 35220961). Relevant functional assessments of this variant are not available in the literature. I899_Q907del has not been observed in referenced population frequency databases. In summary, NM_000053.3(ATP7B):c.2697_2723del27(I899_Q907del) is an in-frame deletion that has been observed more frequently in cases with the relevant disease than in healthy populations. Please note: this variant was assessed in the context of healthy population screening.

Women's Health and Genetics/Laboratory Corporation of America, LabCorp
Classification: Pathogenic for Wilson disease. Last evaluated: 2025-04-22. Review status: criteria provided, single submitter. Criteria: LabCorp Variant Classification Summary - May 2015. Collection method: clinical testing. Allele origin: germline.
Comment: Variant summary: ATP7B c.2697_2723del27 (p.Ile899_Gln907del) results in an in-frame deletion that is predicted to remove nine amino acids from the encoded protein. The variant was absent in 249564 control chromosomes.c.2697_2723del27 has been reported in the literature in multiple individuals affected with Wilson Disease (e.g. Lee_2011, Lee_2012, Aggarwal_2013, Xiao_2021, Zhang_2022). These data indicate that the variant is very likely to be associated with disease. To our knowledge, no experimental evidence demonstrating an impact on protein function has been reported. The following publications have been ascertained in the context of this evaluation (PMID: 23551039, 22075048, 21645214, 34324271, 35220961). ClinVar contains an entry for this variant (Variation ID: 2573458). Based on the evidence outlined above, the variant was classified as pathogenic.

Labcorp Genetics (formerly Invitae), Labcorp
Classification: Likely pathogenic for Wilson disease. Last evaluated: 2024-10-28. Review status: criteria provided, single submitter. Criteria: Invitae Variant Classification Sherloc (09022015). Collection method: clinical testing. Allele origin: germline.
Comment: This variant, c.2697_2723del, results in the deletion of 9 amino acid(s) of the ATP7B protein (p.Ile899_Gln907del), but otherwise preserves the integrity of the reading frame. This variant is not present in population databases (gnomAD no frequency). This variant has been observed in individual(s) with clinical features of Wilson's disease (PMID: 21645214, 22075048, 23551039, 29930488, 34324271, 35220961; internal data). In at least one individual the data is consistent with being in trans (on the opposite chromosome) from a pathogenic variant. ClinVar contains an entry for this variant (Variation ID: 2573458). Experimental studies and prediction algorithms are not available or were not evaluated, and the functional significance of this variant is currently unknown. In summary, the currently available evidence indicates that the variant is pathogenic, but additional data are needed to prove that conclusively. Therefore, this variant has been classified as Likely Pathogenic.

Natera, Inc.
Classification: Pathogenic for Wilson disease. Last evaluated: 2024-07-25. Review status: criteria provided, single submitter. Criteria: Natera Variant Classification Schema (03/2026). Collection method: clinical testing. Allele origin: germline.
Comment: The c.2697_2723delTGTGAAACTGGTGGAAGAGGCTCAGAT variant in ATP7B is an in-frame deletion. This variant is rare in the general population with a frequency below the threshold expected for the associated phenotype(s). This variant has been observed in one or more individuals affected with the associated recessive disease, as either homozygous or compound heterozygous with a second variant (PMID: 35220961, 34474183). This variant results in a change to the protein length while preserving reading frame, which may disrupt normal protein structure or function. Computational prediction algorithms indicate this variant is likely to affect gene or protein function. Given the available evidence, this variant is classified as Pathogenic.

Fulgent Genetics
Classification: Likely pathogenic for Wilson disease. Last evaluated: 2024-03-14. Review status: criteria provided, single submitter. Criteria: ACMG Guidelines, 2015. Collection method: clinical testing. Allele origin: germline.

Chongqing Key Laboratory of Child Rare Diseases in Infection and Immunity, Children’s Hospital of Chongqing Medical University
Classification: Uncertain significance for Wilson disease. Last evaluated: 2024-01-01. Review status: criteria provided, single submitter. Criteria: ACMG Guidelines, 2015. Collection method: clinical testing. Allele origin: germline. Inheritance: Autosomal recessive inheritance. Affected: yes.
Comment: Classified as Uncertain significance according to the ACMG/AMP 2015 guidelines (PMID:25741868). The classification was based on the available submitted evidence for Wilson disease (OMIM:277900), including clinical-testing observations, variant consequence/protein annotation, and published or ClinVar evidence where available. Supporting information considered: variant annotation: p.Ile899_Gln907del; Inframe indel; Protein domain: P-domain-enriched; submitted notation: NM_000053.4:c.2697_2723del (p.Ile899_Gln907del); source variant type: Inframe indel; source domain: P-domain-enriched; allele count n=230: 1.

Baylor Genetics
Classification: Likely pathogenic for Wilson disease. Last evaluated: 2023-06-06. Review status: criteria provided, single submitter. Criteria: ACMG Guidelines, 2015. Collection method: clinical testing. Allele origin: unknown.

Literature cited by the submitters: PubMed 22075048 (cited by 3 submitters); PubMed 23551039 (cited by 3 submitters); PubMed 34324271 (cited by 3 submitters); PubMed 35220961 (cited by 4 submitters); PubMed 21645214 (cited by Women's Health and Genetics/Laboratory Corporation of America, LabCorp and Labcorp Genetics (formerly Invitae), Labcorp); PubMed 29930488 (cited by Labcorp Genetics (formerly Invitae), Labcorp); PubMed 34474183 (cited by Natera, Inc.).

NM_000053.4(ATP7B):c.2697_2723del (p.Ile899_Gln907del)

Gene: ATP7B (ATPase copper transporting beta; minus strand). Cytogenetic location: 13q14.3.
Variant type: Deletion.
Coding change: c.2697_2723del on transcript NM_000053.4 (MANE Select); coding-DNA positions 2697 to 2723, 27 bases deleted (TGTGAAACTGGTGGAAGAGGCTCAGAT).
Protein change: p.Ile899_Gln907del.
Molecular consequence: inframe deletion.
Genome position (GRCh38, 1-based): chr13:51,950,014-51,950,040, ATCTGAGCCTCTTCCACCAGTTTCACA deleted on the plus strand (TGTGAAACTGGTGGAAGAGGCTCAGAT on the coding strand, the reverse complement: ATP7B is on the minus strand); deleting any 27 consecutive bases within chr13:51,950,014-51,950,049 gives the same sequence; the c. name uses the placement nearest the transcript's 3' end. VCF-style (leftmost placement, unchanged base first): chr13-51950013-CATCTGAGCCTCTTCCACCAGTTTCACA-C. GRCh37 (hg19) VCF-style: chr13-52524149-CATCTGAGCCTCTTCCACCAGTTTCACA-C.
Other names: c.2697_2723del27 (NM_000053.4); c.2211_2237del, p.Ile737_Gln745del (NM_001005918.3); c.2364_2390del, p.Ile788_Gln796del (NM_001243182.2); c.2463_2489del, p.Ile821_Gln829del (NM_001330578.2); c.2445_2471del, p.Ile815_Gln823del (NM_001330579.2); c.2697_2723delTGTGAAACTGGTGGAAGAGGCTCAGAT (NM_000053.3).
Identifiers: ClinVar variation 2573458 (VCV002573458.9), dbSNP rs2139201690, ClinGen allele CA2573053842.